The following is an entry in ClinVar:

ClinVar aggregate classification (germline): Pathogenic (1 of 4 stars; one submission).

Conditions:
Epidermolysis bullosa simplex 3, localized or generalized intermediate, with BP230 deficiency (EBS3). Also called: Epidermolysis bullosa simplex due to BP230 deficiency; Epidermolysis bullosa simplex, autosomal recessive 2. Identifiers: Orphanet 412181, MedGen C3809470, MONDO:0014180, OMIM 615425.
Hereditary sensory and autonomic neuropathy type 6. Also called: HSAN VI; Neuropathy, hereditary sensory and autonomic, type VI. Identifiers: Orphanet 314381, MedGen C3539003, MONDO:0013839, OMIM 614653.

Submission:

Labcorp Genetics (formerly Invitae), Labcorp
Classification: Pathogenic for Epidermolysis bullosa simplex 3, localized or generalized intermediate, with BP230 deficiency; Hereditary sensory and autonomic neuropathy type 6. Last evaluated: 2018-12-18. Review status: criteria provided, single submitter. Criteria: Invitae Variant Classification Sherloc (09022015). Collection method: clinical testing. Allele origin: germline.
Comment: This sequence change creates a premature translational stop signal (p.Val2997Trpfs*20) in the DST gene. It is expected to result in an absent or disrupted protein product. The DST gene has multiple clinically relevant transcripts. The p.Val2997Trpfs*20 variant occurs in alternate transcript NM_015548.4, which corresponds to c.*80312del in NM_001723.5, the primary transcript listed in the Methods. For these reasons, this variant has been classified as Pathogenic. Loss-of-function variants in DST are known to be pathogenic (PMID: 25059916). This variant has not been reported in the literature in individuals with DST-related conditions. This variant is not present in population databases (ExAC no frequency).

Literature cited by the submitters: PubMed 25059916.

NM_001374736.1(DST):c.16858del (p.Val5620fs)

Gene: DST (dystonin; minus strand). Cytogenetic location: 6p12.1.
Variant type: Deletion.
Coding change: c.16858del on transcript NM_001374736.1 (MANE Select); coding-DNA position 16858, one base deleted (G; older notation c.16858delG).
Protein change: p.Val5620fs; shifts the reading frame from valine 5620.
Molecular consequence: frameshift variant.
Genome position (GRCh38, 1-based): chr6:56,535,205, C deleted on the plus strand (G on the coding strand, the reverse complement: DST is on the minus strand); the first of 2 consecutive C bases (chr6:56,535,205-56,535,206); deleting either gives the same sequence. VCF-style (leftmost placement, unchanged base first): chr6-56535204-AC-A. GRCh37 (hg19) VCF-style: chr6-56400002-AC-A.
Other names: c.10501del, p.Val3501fs (NM_001144769.5); c.10087del, p.Val3363fs (NM_001144770.2); c.16858del, p.Val5620fs (NM_001374722.1); c.16225del, p.Val5409fs (NM_001374729.1); c.9967del, p.Val3323fs (NM_001374730.1, NM_183380.4); c.16885del, p.Val5629fs (NM_001374734.1); c.8989del, p.Val2997fs (NM_015548.5); short protein forms V3363fs, V3501fs, V2997fs, V3323fs, V5409fs, V5620fs, V5629fs.
Identifiers: ClinVar variation 665690 (VCV000665690.7), dbSNP rs1584328172, ClinGen allele CA915944306.